The following is an entry in ClinVar:

NM_001205293.3(CACNA1E):c.6681C>G (p.Tyr2227Ter)

Gene: CACNA1E (calcium voltage-gated channel subunit alpha1 E; plus strand). Cytogenetic location: 1q25.3.
Variant type: single nucleotide variant.
Coding change: c.6681C>G on transcript NM_001205293.3 (MANE Select); coding-DNA position 6681, C replaced by G.
Protein change: p.Tyr2227Ter; replaces tyrosine 2227 with a stop codon.
Molecular consequence: nonsense.
Genome position (GRCh38, 1-based): chr1:181,798,573, C>G. VCF-style: chr1-181798573-C-G. GRCh37 (hg19) VCF-style: chr1-181767709-C-G.
Other names: c.6552C>G, p.Tyr2184Ter (NM_000721.4); c.6495C>G, p.Tyr2165Ter (NM_001205294.2); short protein forms Y2165*, Y2184*, Y2227*.
Identifiers: ClinVar variation 4070776 (VCV004070776.1).
Genomic context (GRCh38, chr1:181,798,573, plus strand): 5'-GACCGAGTCTTCCAACTCTCCGCACCCCCAGCAGAGCCAACATGCCTCCCCACAGCGCTA[C>G]ATCTCCGAGCCCTACTTGGCCCTGCACGAAGACTCCCACGCCTCAGACTGTGGTGAGGAG-3'

ClinVar aggregate classification (germline): Uncertain significance (1 of 4 stars; one submission).

Submission:

GeneDx
Classification: Uncertain significance. Last evaluated: 2025-01-21. Review status: criteria provided, single submitter. Criteria: GeneDx Variant Classification Process June 2021. Collection method: clinical testing. Allele origin: germline. Affected: yes.
Comment: Not observed at significant frequency in large population cohorts (gnomAD); Nonsense variant predicted to result in protein truncation as the last 87 amino acid(s) are lost; Has not been previously published as pathogenic or benign to our knowledge